The following is an entry in ClinVar:

NM_004104.5(FASN):c.1993C>G (p.Leu665Val)

Gene: FASN (fatty acid synthase; minus strand). Cytogenetic location: 17q25.3.
Variant type: single nucleotide variant.
Coding change: c.1993C>G on transcript NM_004104.5 (MANE Select); coding-DNA position 1993, C replaced by G.
Protein change: p.Leu665Val; replaces leucine 665 with valine.
Molecular consequence: missense variant.
Genome position (GRCh38, 1-based): chr17:82,089,357, G>C on the plus strand (C>G on the coding strand, the complement: FASN is on the minus strand). VCF-style: chr17-82089357-G-C. GRCh37 (hg19) VCF-style: chr17-80047233-G-C.
Other names: short protein forms L665V.
Identifiers: ClinVar variation 3655406 (VCV003655406.2).

ClinVar aggregate classification (germline): Uncertain significance (1 of 4 stars; one submission).

Conditions:
Epileptic encephalopathy. Identifiers: MedGen C0543888, HP:0200134.

Submission:

Labcorp Genetics (formerly Invitae), Labcorp
Classification: Uncertain significance for Epileptic encephalopathy. Last evaluated: 2024-06-04. Review status: criteria provided, single submitter. Criteria: Invitae Variant Classification Sherloc (09022015). Collection method: clinical testing. Allele origin: germline.
Comment: This sequence change replaces leucine, which is neutral and non-polar, with valine, which is neutral and non-polar, at codon 665 of the FASN protein (p.Leu665Val). This variant is not present in population databases (gnomAD no frequency). This variant has not been reported in the literature in individuals affected with FASN-related conditions. An algorithm developed to predict the effect of missense changes on protein structure and function (PolyPhen-2) suggests that this variant is likely to be disruptive. In summary, the available evidence is currently insufficient to determine the role of this variant in disease. Therefore, it has been classified as a Variant of Uncertain Significance.